The following is an entry in ClinVar:

NM_194277.3(FRMD7):c.1492dup (p.Tyr498fs)

Gene: FRMD7 (FERM domain containing 7; minus strand). Cytogenetic location: Xq26.2.
Variant type: Duplication.
Coding change: c.1492dup on transcript NM_194277.3 (MANE Select); coding-DNA position 1492, one base duplicated (T; older notation c.1492dupT).
Protein change: p.Tyr498fs; shifts the reading frame from tyrosine 498.
Molecular consequence: frameshift variant.
Genome position (GRCh38, 1-based): chrX:132,078,525, A duplicated on the plus strand (T on the coding strand, the reverse complement: FRMD7 is on the minus strand); the first of 7 consecutive A bases (chrX:132,078,525-132,078,531); duplicating any one gives the same sequence. VCF-style (leftmost placement, unchanged base first): chrX-132078524-T-TA. GRCh37 (hg19) VCF-style: chrX-131212552-T-TA.
Other names: c.1447dup, p.Tyr483fs (NM_001306193.2); c.1492dup (NM_194277.2); short protein forms Y483fs, Y498fs.
Identifiers: ClinVar variation 4680908 (VCV004680908.1).

ClinVar aggregate classification (germline): Pathogenic (1 of 4 stars; one submission).

Submission:

GeneDx
Classification: Pathogenic. Last evaluated: 2025-07-01. Review status: criteria provided, single submitter. Criteria: GeneDx Variant Classification Process June 2021. Collection method: clinical testing. Allele origin: germline. Affected: yes.
Comment: Frameshift variant predicted to result in abnormal protein length as the last 217 amino acid(s) are replaced with 14 different amino acid(s), and other similar variants have been reported in HGMD; Not observed at significant frequency in large population cohorts (gnomAD); Also known as c.1492_1493insT; This variant is associated with the following publications: (PMID: 38279119, 37423457, 37545716)